The following is an entry in ClinVar:

ClinVar aggregate classification (germline): Uncertain significance (1 of 4 stars; one submission).

Allele frequency attached by ClinVar (database versions not stated): TOPMed below 0.00001; gnomAD 0.00001.
gnomAD v4.1: 1 of 1,613,968 alleles (0.000062%); highest among the groups gnomAD compares: African/African-American, 0.0013%; no homozygotes.

Submission:

Labcorp Genetics (formerly Invitae), Labcorp
Classification: Uncertain significance. Last evaluated: 2022-08-05. Review status: criteria provided, single submitter. Criteria: Invitae Variant Classification Sherloc (09022015). Collection method: clinical testing. Allele origin: germline.
Comment: In summary, the available evidence is currently insufficient to determine the role of this variant in disease. Therefore, it has been classified as a Variant of Uncertain Significance. Algorithms developed to predict the effect of missense changes on protein structure and function (SIFT, PolyPhen-2, Align-GVGD) all suggest that this variant is likely to be disruptive. This variant has not been reported in the literature in individuals affected with FAM161A-related conditions. This variant is present in population databases (no rsID available, gnomAD 0.01%). This sequence change replaces alanine, which is neutral and non-polar, with valine, which is neutral and non-polar, at codon 284 of the FAM161A protein (p.Ala284Val).

NM_001201543.2(FAM161A):c.851C>T (p.Ala284Val)

Gene: FAM161A (FAM161 centrosomal protein A; minus strand). Cytogenetic location: 2p15.
Variant type: single nucleotide variant.
Coding change: c.851C>T on transcript NM_001201543.2 (MANE Select); coding-DNA position 851, C replaced by T.
Protein change: p.Ala284Val; replaces alanine 284 with valine.
Molecular consequence: missense variant. On other transcripts: non-coding transcript variant (1).
Genome position (GRCh38, 1-based): chr2:61,840,153, G>A on the plus strand (C>T on the coding strand, the complement: FAM161A is on the minus strand). VCF-style: chr2-61840153-G-A. GRCh37 (hg19) VCF-style: chr2-62067288-G-A.
Other names: c.851C>T, p.Ala284Val (NM_032180.3); short protein forms A284V.
Identifiers: ClinVar variation 2152412 (VCV002152412.2), dbSNP rs970737375, ClinGen allele CA48477619.
Genomic context (GRCh38, chr2:61,840,153, plus strand): 5'-TCTTTTTGCTTGACTAAATCATGGTAAAGGGGGAGAAAGACAGATGCAGGAACTGGATTG[G>A]CTCGGAATTTCTTCTTATACTCTGGATCCTCTTCTTGTTTTTTGAGCGCTTTATGTACCA-3'
Protein context (NP_001188472.1, residues 274-294): EDPEYKKKFR[Ala284Val]NPVPASVFLP